The following is an entry in ClinVar:

ClinVar aggregate classification (germline): Pathogenic. Review status: reviewed by expert panel (3 of 4 stars). 3 submissions from 3 submitters: Pathogenic (1). 2 of the submissions do not count toward it. Last evaluated 2016-09-08.

Conditions:
Breast-ovarian cancer, familial, susceptibility to, 1 (BROVCA1). Also called: BRCA1 Hereditary Breast and Ovarian Cancer; OVARIAN CANCER, SUSCEPTIBILITY TO. Identifiers: Orphanet 145, MedGen C2676676, MONDO:0011450, OMIM 604370. Disease mechanism: loss of function.
Familial cancer of breast. Also called: hereditary breast carcinoma; BREAST CANCER, FAMILIAL; Hereditary breast cancer. Identifiers: Orphanet 227535, MedGen C0346153, MONDO:0016419, OMIM 114480. Disease mechanism: loss of function.

Submissions (3):

Evidence-based Network for the Interpretation of Germline Mutant Alleles (ENIGMA)
Classification: Pathogenic for Breast-ovarian cancer, familial, susceptibility to, 1. Last evaluated: 2016-09-08. Review status: reviewed by expert panel. Criteria: ENIGMA BRCA1/2 Classification Criteria (2015). Collection method: curation. Allele origin: germline.
Comment: Variant allele predicted to encode a truncated non-functional protein.

Department of Clinical Genetics, Copenhagen University Hospital, Rigshospitalet
Classification: Pathogenic for Familial cancer of breast. Last evaluated: 2026-04-13. Review status: criteria provided, single submitter. Criteria: ACMG Guidelines, 2015. Collection method: clinical testing. Allele origin: germline. Not counted in ClinVar's aggregate classification.
Comment: The following ACMG criteria has been used: PVS1; PM5_PTC_Strong

Consortium of Investigators of Modifiers of BRCA1/2 (CIMBA), c/o University of Cambridge
Classification: Pathogenic for Breast-ovarian cancer, familial, susceptibility to, 1. Last evaluated: 2015-10-02. Review status: criteria provided, single submitter. Criteria: CIMBA Mutation Classification guidelines May 2016. Collection method: clinical testing. Allele origin: germline. Not counted in ClinVar's aggregate classification.

Literature cited by the submitters: PubMed 20437199 (cited by Department of Clinical Genetics, Copenhagen University Hospital, Rigshospitalet).

NM_007294.4(BRCA1):c.4684_4685del (p.Pro1562fs)

Gene: BRCA1 (BRCA1 DNA repair associated; minus strand). Cytogenetic location: 17q21.31.
Variant type: Deletion.
Coding change: c.4684_4685del on transcript NM_007294.4 (MANE Select); coding-DNA positions 4684 to 4685, 2 bases deleted (CC; older notation c.4684_4685delCC).
Protein change: p.Pro1562fs; shifts the reading frame from proline 1562.
Molecular consequence: frameshift variant. On other transcripts: non-coding transcript variant (1).
Genome position (GRCh38, 1-based): chr17:43,071,229-43,071,230, GG deleted on the plus strand (CC on the coding strand, the reverse complement: BRCA1 is on the minus strand); deleting any 2 consecutive bases within chr17:43,071,229-43,071,232 gives the same sequence; the c. name uses the placement nearest the transcript's 3' end. VCF-style (leftmost placement, unchanged base first): chr17-43071228-AGG-A. GRCh37 (hg19) VCF-style: chr17-41223245-AGG-A.
Other names: c.4684_4685delCC (NM_007294.3); c.4553_4554delCC, p.Pro1519Leufs (NM_001407682.1, NM_001407683.1, NM_001407685.1 and 6 more transcripts); c.4682_4683delCC, p.Pro1562Leufs (NM_001407684.1, NM_001407854.1, NM_001407593.1 and 8 more transcripts); c.4550_4551delCC, p.Pro1518Leufs (NM_001407690.1, NM_001407691.1); c.4541_4542delCC, p.Pro1515Leufs (NM_001407692.1, NM_001407694.1, NM_001407695.1 and 12 more transcripts); c.4538_4539delCC, p.Pro1514Leufs (NM_001407732.1, NM_001407733.1, NM_001407734.1 and 21 more transcripts); c.4535_4536delCC, p.Pro1513Leufs (NM_001407838.1, NM_001407839.1, NM_001407841.1 and 12 more transcripts); c.4679_4680delCC, p.Pro1561Leufs (NM_001407858.1, NM_001407859.1, NM_001407860.1 and 17 more transcripts); and 74 more; short protein forms P1515fs, P458fs, P1562fs, P1583fs.
Identifiers: ClinVar variation 55260 (VCV000055260.6), dbSNP rs397509188, ClinGen allele CA002977.